The following is an entry in ClinVar:

NM_030665.4(RAI1):c.372A>C (p.Pro124=)

Gene: RAI1 (retinoic acid induced 1; plus strand). Cytogenetic location: 17p11.2.
Variant type: single nucleotide variant.
Coding change: c.372A>C on transcript NM_030665.4 (MANE Select); coding-DNA position 372, A replaced by C.
Protein change: p.Pro124=; no amino-acid change (proline 124 retained).
Molecular consequence: synonymous variant.
Genome position (GRCh38, 1-based): chr17:17,793,320, A>C. VCF-style: chr17-17793320-A-C. GRCh37 (hg19) VCF-style: chr17-17696634-A-C.
Other names: c.372A>C (NM_030665.3).
Identifiers: ClinVar variation 1609209 (VCV001609209.9), dbSNP rs1012418509, ClinGen allele CA288366980.

ClinVar aggregate classification (germline): Likely benign. Review status: criteria provided, single submitter (1 of 4 stars). 2 submissions from 2 submitters: Likely benign (1). 1 of the submissions does not count toward it. Last evaluated 2023-12-01.

Conditions:
RAI1-related disorder. Also called: RAI1-related condition.

Allele frequency attached by ClinVar (database versions not stated): gnomAD 0.00001 and 0.00002; gnomAD exomes 0.00001 and 0.00002; TOPMed 0.00002.
gnomAD v4.1: 37 of 1,612,238 alleles (0.0023%); highest among the groups gnomAD compares: Non-Finnish European, 0.0029%; no homozygotes.

Submissions (2):

Labcorp Genetics (formerly Invitae), Labcorp
Classification: Likely benign. Last evaluated: 2023-12-01. Review status: criteria provided, single submitter. Criteria: Invitae Variant Classification Sherloc (09022015). Collection method: clinical testing. Allele origin: germline.

PreventionGenetics, part of Exact Sciences
Classification: Likely benign for RAI1-related condition. Last evaluated: 2022-09-20. Review status: no assertion criteria provided. Collection method: clinical testing. Allele origin: germline. Not counted in ClinVar's aggregate classification.
Comment: This variant is classified as likely benign based on ACMG/AMP sequence variant interpretation guidelines (Richards et al. 2015 PMID: 25741868, with internal and published modifications).